The following is an entry in ClinVar:

ClinVar aggregate classification (germline): Likely pathogenic (1 of 4 stars; one submission).

Conditions:
Autosomal recessive nonsyndromic hearing loss 77. Identifiers: Orphanet 90636, MedGen C2746083, MONDO:0013119, OMIM 613079.

Submission:

Myriad Genetics, Inc.
Classification: Likely pathogenic for Autosomal recessive nonsyndromic hearing loss 77. Last evaluated: 2022-02-23. Review status: criteria provided, single submitter. Criteria: Myriad Women's Health Autosomal Recessive and X-Linked Classification Criteria (2021). Collection method: clinical testing. Allele origin: unknown.
Comment: NM_144612.6(LOXHD1):c.1798G>T(E600*) is expected to be pathogenic in the context of LOXHD1-related DFNB77 hearing loss and deafness. This variant is predicted to lead to an abnormal or absent protein product due to the creation of a premature termination codon in LOXHD1, a gene where loss-of-function variants are known to be pathogenic. Please note: this variant was assessed in the context of healthy population screening.

NM_001384474.1(LOXHD1):c.1798G>T (p.Glu600Ter)

Gene: LOXHD1 (lipoxygenase homology PLAT domains 1; minus strand). Cytogenetic location: 18q21.1.
Variant type: single nucleotide variant.
Coding change: c.1798G>T on transcript NM_001384474.1 (MANE Select); coding-DNA position 1798, G replaced by T.
Protein change: p.Glu600Ter; replaces glutamic acid 600 with a stop codon.
Molecular consequence: nonsense.
Genome position (GRCh38, 1-based): chr18:46,579,641, C>A on the plus strand (G>T on the coding strand, the complement: LOXHD1 is on the minus strand). VCF-style: chr18-46579641-C-A. GRCh37 (hg19) VCF-style: chr18-44159604-C-A.
Other names: c.1798G>T, p.Glu600Ter (NM_144612.7); short protein forms E600*.
Identifiers: ClinVar variation 1724631 (VCV001724631.2), dbSNP rs2511888973, ClinGen allele CA402378879.
Genomic context (GRCh38, chr18:46,579,641, plus strand): 5'-AAGGGAACTGGGAGGAAGGGGATGAGTGGGGCACATTGCTGTAACTTACATTGCCCTTTT[C>A]AAACAGGTCTGTGTTATTCCTGCAGTTGTAGAGCAGCCGTTCCCCCGTGTCCCCCACATC-3'